The following is an entry in ClinVar:

NM_003458.4(BSN):c.3433C>T (p.Arg1145Trp)

Gene: BSN (bassoon presynaptic cytomatrix protein; plus strand). Cytogenetic location: 3p21.31.
Variant type: single nucleotide variant.
Coding change: c.3433C>T on transcript NM_003458.4 (MANE Select); coding-DNA position 3433, C replaced by T.
Protein change: p.Arg1145Trp; replaces arginine 1145 with tryptophan.
Molecular consequence: missense variant.
Genome position (GRCh38, 1-based): chr3:49,652,989, C>T. VCF-style: chr3-49652989-C-T. GRCh37 (hg19) VCF-style: chr3-49690422-C-T.
Other names: short protein forms R1145W.
Identifiers: ClinVar variation 2611408 (VCV002611408.3), dbSNP rs751141272, ClinGen allele CA2399953.

ClinVar aggregate classification (germline): Uncertain significance. Review status: criteria provided, multiple submitters, no conflicts (2 of 4 stars). 2 submissions from 2 submitters: Uncertain significance (2). Last evaluated 2023-07-12.

Conditions:
BSN-related disorder. Also called: BSN-related condition.

Allele frequency attached by ClinVar (database versions not stated): TOPMed 0.00002; gnomAD 0.00002.
gnomAD v4.1: 22 of 1,613,140 alleles (0.0014%); highest among the groups gnomAD compares: Non-Finnish European, 0.0018%; no homozygotes.

Submissions (2):

Ambry Genetics
Classification: Uncertain significance. Last evaluated: 2023-07-12. Review status: criteria provided, single submitter. Criteria: Ambry Variant Classification Scheme 2023. Collection method: clinical testing. Allele origin: germline.

PreventionGenetics, part of Exact Sciences
Classification: Uncertain significance for BSN-related condition. Last evaluated: 2022-08-18. Review status: criteria provided, single submitter. Criteria: ACMG Guidelines, 2015. Collection method: clinical testing. Allele origin: germline.
Comment: The BSN c.3433C>T variant is predicted to result in the amino acid substitution p.Arg1145Trp. To our knowledge, this variant has not been reported in the literature. This variant is reported in 0.00089% of alleles in individuals of European (Non-Finnish) descent in gnomAD. At this time, the clinical significance of this variant is uncertain due to the absence of conclusive functional and genetic evidence.